The following is an entry in ClinVar:

NM_001184.4(ATR):c.109C>A (p.Leu37Met)

Gene: ATR (ATR checkpoint kinase; minus strand). Cytogenetic location: 3q23.
Variant type: single nucleotide variant.
Coding change: c.109C>A on transcript NM_001184.4 (MANE Select); coding-DNA position 109, C replaced by A.
Protein change: p.Leu37Met; replaces leucine 37 with methionine.
Molecular consequence: missense variant.
Genome position (GRCh38, 1-based): chr3:142,568,105, G>T on the plus strand (C>A on the coding strand, the complement: ATR is on the minus strand). VCF-style: chr3-142568105-G-T. GRCh37 (hg19) VCF-style: chr3-142286947-G-T.
Other names: c.109C>A, p.Leu37Met (NM_001354579.2); short protein forms L37M.
Identifiers: ClinVar variation 1402205 (VCV001402205.10), dbSNP rs2035133075, ClinGen allele CA354829040.

ClinVar aggregate classification (germline): Uncertain significance. Review status: criteria provided, multiple submitters, no conflicts (2 of 4 stars). 4 submissions from 3 submitters: Uncertain significance (4). Last evaluated 2023-08-10.

Conditions:
Inborn genetic diseases. Identifiers: MedGen C0950123, MeSH D030342.
Familial cutaneous telangiectasia and oropharyngeal predisposition cancer syndrome. Identifiers: Orphanet 313846, MedGen C3281203, MONDO:0013806, OMIM 614564.
Seckel syndrome 1 (SCKL1). Also called: MICROCEPHALIC PRIMORDIAL DWARFISM I. Identifiers: Orphanet 808, MedGen C4551474, MONDO:0008869, OMIM 210600.

Allele frequency attached by ClinVar (database versions not stated): gnomAD 0.00001; TOPMed 0.00001.
gnomAD v4.1: 1 of 1,612,552 alleles (0.000062%); highest among the groups gnomAD compares: African/African-American, 0.0013%; no homozygotes.

Submissions (4):

Labcorp Genetics (formerly Invitae), Labcorp
Classification: Uncertain significance. Last evaluated: 2023-08-10. Review status: criteria provided, single submitter. Criteria: Invitae Variant Classification Sherloc (09022015). Collection method: clinical testing. Allele origin: germline.
Comment: In summary, the available evidence is currently insufficient to determine the role of this variant in disease. Therefore, it has been classified as a Variant of Uncertain Significance. An algorithm developed to predict the effect of missense changes on protein structure and function (PolyPhen-2) suggests that this variant is likely to be disruptive. ClinVar contains an entry for this variant (Variation ID: 1402205). This variant has not been reported in the literature in individuals affected with ATR-related conditions. This variant is not present in population databases (gnomAD no frequency). This sequence change replaces leucine, which is neutral and non-polar, with methionine, which is neutral and non-polar, at codon 37 of the ATR protein (p.Leu37Met).

Genome-Nilou Lab
Classification: Uncertain significance for Seckel syndrome 1. Last evaluated: 2023-02-08. Review status: criteria provided, single submitter. Criteria: ACMG Guidelines, 2015. Collection method: clinical testing. Allele origin: germline.

Genome-Nilou Lab
Classification: Uncertain significance for Familial cutaneous telangiectasia and oropharyngeal predisposition cancer syndrome. Last evaluated: 2023-02-08. Review status: criteria provided, single submitter. Criteria: ACMG Guidelines, 2015. Collection method: clinical testing. Allele origin: germline.

Ambry Genetics
Classification: Uncertain significance for Inborn genetic diseases. Last evaluated: 2022-04-29. Review status: criteria provided, single submitter. Criteria: Ambry Variant Classification Scheme 2023. Collection method: clinical testing. Allele origin: germline.
Comment: The p.L37M variant (also known as c.109C>A), located in coding exon 2 of the ATR gene, results from a C to A substitution at nucleotide position 109. The leucine at codon 37 is replaced by methionine, an amino acid with highly similar properties. This amino acid position is conserved. In addition, this alteration is predicted to be tolerated by in silico analysis. Since supporting evidence is limited at this time, the clinical significance of this alteration remains unclear.